The following is an entry in ClinVar:

NM_000169.3(GLA):c.239G>C (p.Gly80Ala)

Genes: GLA (galactosidase alpha; minus strand), RPL36A-HNRNPH2 (RPL36A-HNRNPH2 readthrough; plus strand). Cytogenetic location: Xq22.1.
Variant type: single nucleotide variant.
Coding change: c.239G>C on transcript NM_000169.3 (MANE Select); coding-DNA position 239, G replaced by C.
Protein change: p.Gly80Ala; replaces glycine 80 with alanine.
Molecular consequence: missense variant. On other transcripts: non-coding transcript variant (3), intron variant (2).
Genome position (GRCh38, 1-based): chrX:101,403,941, C>G on the plus strand (G>C on the coding strand, the complement: GLA is on the minus strand). VCF-style: chrX-101403941-C-G. GRCh37 (hg19) VCF-style: chrX-100658929-C-G.
Other names: c.362G>C, p.Gly121Ala (NM_001406747.1, NM_001406749.1); c.239G>C, p.Gly80Ala (NM_001406748.1); c.301-7995C>G (NM_001199973.2); c.178-7995C>G (NM_001199974.2); short protein forms G80A, G121A.
Identifiers: ClinVar variation 1199178 (VCV001199178.5), dbSNP rs781838005, ClinGen allele CA413934107.

ClinVar aggregate classification (germline): Uncertain significance (1 of 4 stars; one submission).

Conditions:
Fabry disease. Also called: Fabry's disease; ALPHA-GALACTOSIDASE A DEFICIENCY; ANDERSON-FABRY DISEASE; CERAMIDE TRIHEXOSIDASE DEFICIENCY; GLA DEFICIENCY; HEREDITARY DYSTOPIC LIPIDOSIS. Identifiers: Orphanet 324, MedGen C0002986, MONDO:0010526, OMIM 301500, HP:0001071. Disease mechanism: Fabry disease is due to inactivating mutations in the X-linked GLA gene resulting in deficiency of the enzyme Alpha Galactosidase-A., loss of function.

Allele frequency attached by ClinVar (database versions not stated): gnomAD 0.00001.
gnomAD v4.1: 1 of 1,208,979 alleles (0.000083%); highest among the groups gnomAD compares: East Asian, 0.003%; no homozygotes.

Submission:

3billion
Classification: Uncertain significance for Fabry disease. Last evaluated: 2026-01-28. Review status: criteria provided, single submitter. Criteria: ACMG Guidelines, 2015. Collection method: clinical testing. Allele origin: germline. Affected: yes.
Comment: The variant is observed at an extremely low frequency in the gnomAD v4.1.0 dataset (total allele frequency: <0.001%). Predicted Consequence/Location: Missense variant In silico tool predictions suggest damaging effect of the variant on gene or gene product [REVEL: 0.96 (>=0.6, sensitivity 0.68 and specificity 0.92); 3Cnet: 0.94 (> 0.75, sensitivity 0.96 and precision 0.92)]. A different missense change at the same codon (p.Gly80Asp) has been reported to be associated with GLA-related disorder (PMID: 26415523). However the evidence of pathogenicity is insufficient at this time. The variant has been reported as benign without evidence for the classification (ClinVar ID: VCV001199178). Therefore, this variant is classified as VUS according to the recommendation of ACMG/AMP guideline.

Literature cited by the submitters: PubMed 26415523.